The following is an entry in ClinVar:

NM_007294.4(BRCA1):c.750G>A (p.Glu250=)

Gene: BRCA1 (BRCA1 DNA repair associated; minus strand). Cytogenetic location: 17q21.31.
Variant type: single nucleotide variant.
Coding change: c.750G>A on transcript NM_007294.4 (MANE Select); coding-DNA position 750, G replaced by A.
Protein change: p.Glu250=; no amino-acid change (glutamic acid 250 retained).
Molecular consequence: synonymous variant. On other transcripts: 5 prime UTR variant (2), intron variant (13).
Genome position (GRCh38, 1-based): chr17:43,094,781, C>T on the plus strand (G>A on the coding strand, the complement: BRCA1 is on the minus strand). VCF-style: chr17-43094781-C-T. GRCh37 (hg19) VCF-style: chr17-41246798-C-T.
Other names: c.537G>A, p.Glu179= (NM_001407571.1, NM_001407853.1, NM_001407894.1 and 12 more transcripts); c.750G>A, p.Glu250= (NM_001407581.1, NM_001407582.1, NM_001407583.1 and 54 more transcripts); c.747G>A, p.Glu249= (NM_001407587.1, NM_001407590.1, NM_001407591.1 and 38 more transcripts); c.741G>A, p.Glu247= (NM_001407646.1, NM_001407647.1, NM_001408408.1); c.627G>A, p.Glu209= (NM_001407648.1, NM_001407664.1, NM_001407665.1 and 34 more transcripts); c.624G>A, p.Glu208= (NM_001407649.1, NM_001407670.1, NM_001407671.1 and 20 more transcripts); c.672G>A, p.Glu224= (NM_001407653.1, NM_001407654.1, NM_001407655.1 and 9 more transcripts); c.669G>A, p.Glu223= (NM_001407659.1, NM_001407660.1, NM_001407661.1 and 3 more transcripts); and 20 more.
Identifiers: ClinVar variation 427360 (VCV000427360.20), dbSNP rs762867923, ClinGen allele CA056701.

ClinVar aggregate classification (germline): Likely benign. Review status: reviewed by expert panel (3 of 4 stars). 4 submissions from 4 submitters: Likely benign (1). 3 of the submissions do not count toward it. Last evaluated 2017-06-29.

Conditions:
Hereditary cancer-predisposing syndrome. Also called: Neoplastic Syndromes, Hereditary; Hereditary neoplastic syndrome; Tumor predisposition; Hereditary Cancer Syndrome. Identifiers: Orphanet 140162, MedGen C0027672, MeSH D009386, MONDO:0015356.
Hereditary breast ovarian cancer syndrome. Also called: Hereditary breast and ovarian cancer syndrome (HBOC); BRCA1- and BRCA2-Associated Hereditary Breast and Ovarian Cancer; Hereditary breast and/or ovarian cancer syndrome; Hereditary breast and ovarian cancer syndrome; Hereditary breast and ovarian cancer; Breast and ovarian cancer. Identifiers: Orphanet 145, MedGen C0677776, MeSH D061325, MONDO:0003582. Disease mechanism: loss of function.
Breast-ovarian cancer, familial, susceptibility to, 1 (BROVCA1). Also called: BRCA1 Hereditary Breast and Ovarian Cancer; OVARIAN CANCER, SUSCEPTIBILITY TO. Identifiers: Orphanet 145, MedGen C2676676, MONDO:0011450, OMIM 604370. Disease mechanism: loss of function.

Allele frequency attached by ClinVar (database versions not stated): gnomAD exomes below 0.00001; TOPMed below 0.00001; ExAC 0.00001; gnomAD 0.00001.
gnomAD v4.1: 1 of 1,613,054 alleles (0.000062%); highest among the groups gnomAD compares: Admixed American, 0.0017%; no homozygotes.

Submissions (4):

Evidence-based Network for the Interpretation of Germline Mutant Alleles (ENIGMA)
Classification: Likely benign for Breast-ovarian cancer, familial, susceptibility to, 1. Last evaluated: 2017-06-29. Review status: reviewed by expert panel. Criteria: ENIGMA BRCA1/2 Classification Criteria (2017-06-29). Collection method: curation. Allele origin: germline.
Comment: Synonymous substitution variant, with low bioinformatic likelihood to result in a splicing aberration (Splicing prior probability 0.02).

Women's Health and Genetics/Laboratory Corporation of America, LabCorp
Classification: Likely benign. Last evaluated: 2024-08-01. Review status: criteria provided, single submitter. Criteria: LabCorp Variant Classification Summary - May 2015. Collection method: clinical testing. Allele origin: germline. Not counted in ClinVar's aggregate classification.

Labcorp Genetics (formerly Invitae), Labcorp
Classification: Likely benign for Hereditary breast ovarian cancer syndrome. Last evaluated: 2024-02-20. Review status: criteria provided, single submitter. Criteria: Invitae Variant Classification Sherloc (09022015). Collection method: clinical testing. Allele origin: germline. Not counted in ClinVar's aggregate classification.

Ambry Genetics
Classification: Likely benign for Hereditary cancer-predisposing syndrome. Last evaluated: 2019-08-30. Review status: criteria provided, single submitter. Criteria: Ambry Variant Classification Scheme 2023. Collection method: clinical testing. Allele origin: germline. Not counted in ClinVar's aggregate classification.